The following is an entry in ClinVar:

NM_001127222.2(CACNA1A):c.354G>C (p.Glu118Asp)

Gene: CACNA1A (calcium voltage-gated channel subunit alpha1 A; minus strand). Cytogenetic location: 19p13.13.
Variant type: single nucleotide variant.
Coding change: c.354G>C on transcript NM_001127222.2 (MANE Select); coding-DNA position 354, G replaced by C.
Protein change: p.Glu118Asp; replaces glutamic acid 118 with aspartic acid.
Molecular consequence: missense variant.
Genome position (GRCh38, 1-based): chr19:13,455,152, C>G on the plus strand (G>C on the coding strand, the complement: CACNA1A is on the minus strand). VCF-style: chr19-13455152-C-G. GRCh37 (hg19) VCF-style: chr19-13565966-C-G.
Other names: c.354G>C, p.Glu118Asp (NM_000068.4, NM_001127221.2, NM_001174080.2 and 1 more transcripts); short protein forms E118D.
Identifiers: ClinVar variation 1694901 (VCV001694901.31), dbSNP rs2144947250, ClinGen allele CA404967840.

ClinVar aggregate classification (germline): Uncertain significance (1 of 4 stars; one submission).

Submission:

CeGaT Center for Human Genetics Tuebingen
Classification: Uncertain significance. Last evaluated: 2022-04-01. Review status: criteria provided, single submitter. Criteria: CeGaT Center For Human Genetics Tuebingen Variant Classification Criteria Version 2. Collection method: clinical testing. Allele origin: germline. Affected: yes. Observed: 1 variant allele.
Comment: CACNA1A: PM2, PP2, PP3